The following is an entry in ClinVar:

NM_139076.3(ABRAXAS1):c.895_908dup (p.Asn303delinsLysCysLeuTer)

Gene: ABRAXAS1 (abraxas 1, BRCA1 A complex subunit; minus strand). Cytogenetic location: 4q21.23.
Variant type: Duplication.
Coding change: c.895_908dup on transcript NM_139076.3 (MANE Select); coding-DNA positions 895 to 908, 14 bases duplicated (ATGTCTTTAAAAAA).
Protein change: p.Asn303delinsLysCysLeuTer.
Molecular consequence: nonsense.
Genome position (GRCh38, 1-based): chr4:83,462,791-83,462,804, TTTTTTAAAGACAT duplicated on the plus strand (ATGTCTTTAAAAAA on the coding strand, the reverse complement: ABRAXAS1 is on the minus strand). VCF-style (leftmost placement, unchanged base first): chr4-83462790-A-ATTTTTTAAAGACAT. GRCh37 (hg19) VCF-style: chr4-84383943-A-ATTTTTTAAAGACAT.
Other names: c.568_581dup, p.Asn194delinsLysCysLeuTer (NM_001345962.2).
Identifiers: ClinVar variation 655505 (VCV000655505.8), dbSNP rs1578122471, ClinGen allele CA915943074.

ClinVar aggregate classification (germline): Uncertain significance (1 of 4 stars; one submission).

Submission:

Labcorp Genetics (formerly Invitae), Labcorp
Classification: Uncertain significance. Last evaluated: 2018-12-01. Review status: criteria provided, single submitter. Criteria: Invitae Variant Classification Sherloc (09022015). Collection method: clinical testing. Allele origin: germline.
Comment: This sequence change results in a premature translational stop signal in the ABRAXAS1 gene (p.Asn303Lysfs*4). While this is not anticipated to result in nonsense mediated decay, it is expected to disrupt the last 107 amino acids of the ABRAXAS1 protein. This variant is not present in population databases (ExAC no frequency). This variant has not been reported in the literature in individuals with ABRAXAS1-related conditions. Experimental studies and prediction algorithms are not available for this variant, and the functional significance of the affected amino acid(s) is currently unknown. In summary, the available evidence is currently insufficient to determine the role of this variant in disease. Therefore, it has been classified as a Variant of Uncertain Significance.